The following is an entry in ClinVar:

ClinVar aggregate classification (germline): Uncertain significance. Review status: criteria provided, multiple submitters, no conflicts (2 of 4 stars). 5 submissions from 5 submitters: Uncertain significance (5). Last evaluated 2025-08-03.

Conditions:
Meier-Gorlin syndrome 3 (MGORS3). Identifiers: Orphanet 2554, MedGen C3151113, MONDO:0013430, OMIM 613803.
Inborn genetic diseases. Identifiers: MedGen C0950123, MeSH D030342.

Allele frequency attached by ClinVar (database versions not stated): gnomAD exomes 0.00009 and 0.00033; ExAC 0.00012; gnomAD 0.00013 and 0.00014; TOPMed 0.00015; ESP Exome Variant Server 0.00023.
gnomAD v4.1: 494 of 1,613,366 alleles (0.031%); highest among the groups gnomAD compares: Non-Finnish European, 0.04%; no homozygotes.

Submissions (5):

Ambry Genetics
Classification: Uncertain significance for Inborn genetic diseases. Last evaluated: 2025-08-03. Review status: criteria provided, single submitter. Criteria: Ambry Variant Classification Scheme 2023. Collection method: clinical testing. Allele origin: germline.

Blueprint Genetics
Classification: Uncertain significance. Last evaluated: 2024-03-12. Review status: criteria provided, single submitter. Criteria: ACMG Guidelines, 2015. Collection method: clinical testing. Allele origin: germline.

Labcorp Genetics (formerly Invitae), Labcorp
Classification: Uncertain significance. Last evaluated: 2022-04-08. Review status: criteria provided, single submitter. Criteria: Invitae Variant Classification Sherloc (09022015). Collection method: clinical testing. Allele origin: germline.
Comment: This sequence change replaces isoleucine, which is neutral and non-polar, with methionine, which is neutral and non-polar, at codon 69 of the ORC6 protein (p.Ile69Met). This variant is present in population databases (rs138076975, gnomAD 0.02%). This variant has not been reported in the literature in individuals affected with ORC6-related conditions. ClinVar contains an entry for this variant (Variation ID: 129865). Algorithms developed to predict the effect of missense changes on protein structure and function are either unavailable or do not agree on the potential impact of this missense change (SIFT: "Deleterious"; PolyPhen-2: "Probably Damaging"; Align-GVGD: "Class C0"). In summary, the available evidence is currently insufficient to determine the role of this variant in disease. Therefore, it has been classified as a Variant of Uncertain Significance.

Illumina Laboratory Services, Illumina
Classification: Uncertain significance for Meier-Gorlin syndrome 3. Last evaluated: 2018-01-12. Review status: criteria provided, single submitter. Criteria: ICSL Variant Classification Criteria 13 December 2019. Collection method: clinical testing. Allele origin: germline.

Genetic Services Laboratory, University of Chicago
Classification: Uncertain significance. Last evaluated: 2013-11-13. Review status: criteria provided, single submitter. Criteria: ACMG Guidelines, 2007. Collection method: clinical testing. Allele origin: germline. Inheritance: Autosomal recessive inheritance.

NM_014321.4(ORC6):c.207T>G (p.Ile69Met)

Gene: ORC6 (origin recognition complex subunit 6; plus strand). Cytogenetic location: 16q11.2.
Variant type: single nucleotide variant.
Coding change: c.207T>G on transcript NM_014321.4 (MANE Select); coding-DNA position 207, T replaced by G.
Protein change: p.Ile69Met; replaces isoleucine 69 with methionine.
Molecular consequence: missense variant. On other transcripts: non-coding transcript variant (1).
Genome position (GRCh38, 1-based): chr16:46,692,393, T>G. VCF-style: chr16-46692393-T-G. GRCh37 (hg19) VCF-style: chr16-46726305-T-G.
Other names: short protein forms I69M.
Identifiers: ClinVar variation 129865 (VCV000129865.14), dbSNP rs138076975, ClinGen allele CA231368.